The following is an entry in ClinVar:

ClinVar aggregate classification (germline): Uncertain significance (1 of 4 stars; one submission).

gnomAD v4.1: 2 of 1,614,158 alleles (0.00012%); highest among the groups gnomAD compares: Non-Finnish European, 0.00017%; no homozygotes.

Submission:

Ambry Genetics
Classification: Uncertain significance. Last evaluated: 2025-08-10. Review status: criteria provided, single submitter. Criteria: Ambry Variant Classification Scheme 2023. Collection method: clinical testing. Allele origin: germline.
Comment: The p.L513V variant (also known as c.1537C>G), located in coding exon 8 of the ATRIP gene, results from a C to G substitution at nucleotide position 1537. The leucine at codon 513 is replaced by valine, an amino acid with highly similar properties. This amino acid position is conserved. In addition, this alteration is predicted to be tolerated by in silico analysis. Based on the available evidence, the clinical significance of this variant remains unclear.

NM_130384.3(ATRIP):c.1537C>G (p.Leu513Val)

Genes: ATRIP (ATR interacting protein; plus strand), ATRIP-TREX1 (ATRIP-TREX1 readthrough; plus strand). Cytogenetic location: 3p21.31.
Variant type: single nucleotide variant.
Coding change: c.1537C>G on transcript NM_130384.3 (MANE Select); coding-DNA position 1537, C replaced by G.
Protein change: p.Leu513Val; replaces leucine 513 with valine.
Molecular consequence: missense variant. On other transcripts: non-coding transcript variant (1).
Genome position (GRCh38, 1-based): chr3:48,460,591, C>G. VCF-style: chr3-48460591-C-G. GRCh37 (hg19) VCF-style: chr3-48501990-C-G.
Other names: c.1156C>G, p.Leu386Val (NM_001271022.2); c.1258C>G, p.Leu420Val (NM_001271023.2); c.1537C>G, p.Leu513Val (NM_032166.4); short protein forms L513V, L420V, L386V.
Identifiers: ClinVar variation 4182392 (VCV004182392.1).